The following is an entry in ClinVar:

NM_001286581.2(PHRF1):c.3541C>T (p.Arg1181Cys)

Gene: PHRF1 (PHD and ring finger domains 1; plus strand). Cytogenetic location: 11p15.5.
Variant type: single nucleotide variant.
Coding change: c.3541C>T on transcript NM_001286581.2 (MANE Select); coding-DNA position 3541, C replaced by T.
Protein change: p.Arg1181Cys; replaces arginine 1181 with cysteine.
Molecular consequence: missense variant.
Genome position (GRCh38, 1-based): chr11:608,997, C>T. VCF-style: chr11-608997-C-T. GRCh37 (hg19) VCF-style: chr11-608997-C-T.
Other names: c.3535C>T, p.Arg1179Cys (NM_001286582.2); c.3529C>T, p.Arg1177Cys (NM_001286583.2); c.3538C>T, p.Arg1180Cys (NM_020901.4); c.3538C>T (NM_020901.2); short protein forms R1177C, R1179C, R1180C, R1181C.
Identifiers: ClinVar variation 3050036 (VCV003050036.3), dbSNP rs200687895, ClinGen allele CA5782851.
Genomic context (GRCh38, chr11:608,997, plus strand): 5'-CGGAGGTCCCGGTCCCCAAGCTCGGAGCACAGGGCACGGGAGCACAGGCGGCCTCGGTCC[C>T]GTGAGAAGTGGCCGCAGACCCGGTCCCATTCCCCAGAGAGGAAGGGGGCTGTGAGGGAGG-3'
Protein context (NP_001273510.1, residues 1171-1191): RAREHRRPRS[Arg1181Cys]EKWPQTRSHS

ClinVar aggregate classification (germline): Uncertain significance. Review status: criteria provided, single submitter (1 of 4 stars). 2 submissions from 2 submitters: Uncertain significance (1). 1 of the submissions does not count toward it. Last evaluated 2025-08-04.

Conditions:
PHRF1-related disorder. Also called: PHRF1-related condition.

Allele frequency attached by ClinVar (database versions not stated): 1000 Genomes Project 30x 0.00031; 1000 Genomes Project 0.00040; ESP Exome Variant Server 0.00088; gnomAD 0.00126; TOPMed 0.00135; ExAC 0.00156; gnomAD exomes 0.00166.
gnomAD v4.1: 2,600 of 1,603,272 alleles (0.16%); highest among the groups gnomAD compares: Admixed American, 0.19%; 5 homozygotes.

Submissions (2):

Ambry Genetics
Classification: Uncertain significance. Last evaluated: 2025-08-04. Review status: criteria provided, single submitter. Criteria: Ambry Variant Classification Scheme 2023. Collection method: clinical testing. Allele origin: germline.

PreventionGenetics, part of Exact Sciences
Classification: Likely benign for PHRF1-related condition. Last evaluated: 2022-02-22. Review status: no assertion criteria provided. Collection method: clinical testing. Allele origin: germline. Not counted in ClinVar's aggregate classification.
Comment: This variant is classified as likely benign based on ACMG/AMP sequence variant interpretation guidelines (Richards et al. 2015 PMID: 25741868, with internal and published modifications).